The following is an entry in ClinVar:

NM_013275.6(ANKRD11):c.2365A>G (p.Lys789Glu)

Gene: ANKRD11 (ankyrin repeat domain 11; minus strand). Cytogenetic location: 16q24.3.
Variant type: single nucleotide variant.
Coding change: c.2365A>G on transcript NM_013275.6 (MANE Select); coding-DNA position 2365, A replaced by G.
Protein change: p.Lys789Glu; replaces lysine 789 with glutamic acid.
Molecular consequence: missense variant.
Genome position (GRCh38, 1-based): chr16:89,284,177, T>C on the plus strand (A>G on the coding strand, the complement: ANKRD11 is on the minus strand). VCF-style: chr16-89284177-T-C. GRCh37 (hg19) VCF-style: chr16-89350585-T-C.
Other names: c.2365A>G, p.Lys789Glu (NM_001256182.2, NM_001256183.2); short protein forms K789E.
Identifiers: ClinVar variation 4983336 (VCV004983336.1).
Genomic context (GRCh38, chr16:89,284,177, plus strand): 5'-TATAAACCTTTTCTTTTTTGAGTTTTTCTTTATCTTCTTTAAAAATCTTCTCCTTCTCTT[T>C]TGAAATTTTGTCCTCTTTTAAATCATTCTTCTTCTCTAATTTTGAGGGCCGGTCTTTTGA-3'
Protein context (NP_037407.4, residues 779-799): KNDLKEDKIS[Lys789Glu]EKEKIFKEDK

ClinVar aggregate classification (germline): Uncertain significance (1 of 4 stars; one submission).

Conditions:
ANKRD11-related disorder. Also called: ANKRD11-related condition.

Submission:

PreventionGenetics, part of Exact Sciences
Classification: Uncertain significance for ANKRD11-related condition. Last evaluated: 2026-02-26. Review status: criteria provided, single submitter. Criteria: ACMG Guidelines, 2015. Collection method: clinical testing. Allele origin: germline.
Comment: The ANKRD11 c.2365A>G variant is predicted to result in the amino acid substitution p.Lys789Glu. To our knowledge, this variant has not been reported in the literature or in a large population database (gnomAD), indicating this variant is rare. At this time, the clinical significance of this variant is uncertain due to the absence of conclusive functional and genetic evidence.